The following is an entry in ClinVar:

ClinVar aggregate classification (germline): Pathogenic. Review status: reviewed by expert panel (3 of 4 stars). 2 submissions from 2 submitters: Pathogenic (1). 1 of the submissions does not count toward it. Last evaluated 2016-10-18.

Conditions:
Breast-ovarian cancer, familial, susceptibility to, 1 (BROVCA1). Also called: BRCA1 Hereditary Breast and Ovarian Cancer; OVARIAN CANCER, SUSCEPTIBILITY TO. Identifiers: Orphanet 145, MedGen C2676676, MONDO:0011450, OMIM 604370. Disease mechanism: loss of function.

Submissions (2):

Evidence-based Network for the Interpretation of Germline Mutant Alleles (ENIGMA)
Classification: Pathogenic for Breast-ovarian cancer, familial, susceptibility to, 1. Last evaluated: 2016-10-18. Review status: reviewed by expert panel. Criteria: ENIGMA BRCA1/2 Classification Criteria (2015). Collection method: curation. Allele origin: germline.
Comment: Variant allele predicted to encode a truncated non-functional protein.

Consortium of Investigators of Modifiers of BRCA1/2 (CIMBA), c/o University of Cambridge
Classification: Pathogenic for Breast-ovarian cancer, familial, susceptibility to, 1. Last evaluated: 2015-10-02. Review status: criteria provided, single submitter. Criteria: CIMBA Mutation Classification guidelines May 2016. Collection method: clinical testing. Allele origin: germline. Not counted in ClinVar's aggregate classification.

NM_007294.4(BRCA1):c.2086_2089del (p.Thr696fs)

Gene: BRCA1 (BRCA1 DNA repair associated; minus strand). Cytogenetic location: 17q21.31.
Variant type: Deletion.
Coding change: c.2086_2089del on transcript NM_007294.4 (MANE Select); coding-DNA positions 2086 to 2089, 4 bases deleted (ACTT; older notation c.2086_2089delACTT).
Protein change: p.Thr696fs; shifts the reading frame from threonine 696.
Molecular consequence: frameshift variant. On other transcripts: intron variant (137).
Genome position (GRCh38, 1-based): chr17:43,093,442-43,093,445, AAGT deleted on the plus strand (ACTT on the coding strand, the reverse complement: BRCA1 is on the minus strand); deleting any 4 consecutive bases within chr17:43,093,442-43,093,446 gives the same sequence; the c. name uses the placement nearest the transcript's 3' end. VCF-style (leftmost placement, unchanged base first): chr17-43093441-AAAGT-A. GRCh37 (hg19) VCF-style: chr17-41245458-AAAGT-A.
Other names: 2205_2208delACTT; c.1963_1966del, p.Thr655fs (NM_001407668.1, NM_001407669.1, NM_001407674.1 and 19 more transcripts); c.1960_1963del, p.Thr654fs (NM_001407670.1, NM_001407671.1, NM_001407672.1 and 11 more transcripts); c.2086_2089del, p.Thr696fs (NM_001407684.1, NM_001407854.1, NM_001407858.1 and 30 more transcripts); c.1945_1948del, p.Thr649fs (NM_001407692.1, NM_001407694.1, NM_001407695.1 and 29 more transcripts); c.1942_1945del, p.Thr648fs (NM_001407740.1, NM_001407741.1, NM_001407742.1 and 20 more transcripts); c.1873_1876del, p.Thr625fs (NM_001407853.1, NM_001407894.1, NM_001407895.1 and 9 more transcripts); c.2083_2086del, p.Thr695fs (NM_001407860.1, NM_001407861.1, NM_001407587.1 and 22 more transcripts); and 42 more; short protein forms T696fs, T649fs, T607fs, T625fs, T629fs, T693fs, T568fs, T584fs.
Identifiers: ClinVar variation 266215 (VCV000266215.6), dbSNP rs886039994, ClinGen allele CA10589895.
Genomic context (GRCh38, chr17:43,093,441, plus strand): 5'-TCACTGGTATTTGAACACTTAGTAAAAGAACCAGGTGCATTTGTTAACTTCAGCTCTGGG[AAAGT>A]ATCGCTGTCATGTCTTTTACTTGTCTGTTCATTTGGCTTGTTACTCTTCTTGGCTCCAGT-3'